The following is an entry in ClinVar:

NM_000533.5(PLP1):c.762G>A (p.Leu254=)

Genes: PLP1 (proteolipid protein 1; plus strand), RAB9B (RAB9B, member RAS oncogene family; minus strand). Cytogenetic location: Xq22.2.
Variant type: single nucleotide variant.
Coding change: c.762G>A on transcript NM_000533.5 (MANE Select); coding-DNA position 762, G replaced by A.
Protein change: p.Leu254=; no amino-acid change (leucine 254 retained).
Molecular consequence: synonymous variant.
Genome position (GRCh38, 1-based): chrX:103,789,398, G>A. VCF-style: chrX-103789398-G-A. GRCh37 (hg19) VCF-style: chrX-103044327-G-A.
Other names: NC_000023.10:g.103044327G>A; c.762G>A, p.Leu254= (NM_001128834.3); c.597G>A, p.Leu199= (NM_001305004.1); c.657G>A, p.Leu219= (NM_199478.3).
Identifiers: ClinVar variation 3338102 (VCV003338102.3).

ClinVar aggregate classification (germline): Likely pathogenic (1 of 4 stars; one submission).

Conditions:
Pelizaeus-Merzbacher disease. Also called: Pelizeaus-Merzbacher spectrum disorder; Sudanophilic leukodystrophy; Pelizaeus-Merzbacher spectrum disorder; Pelizaeus-Merzbacher Disease (PMD); LEUKODYSTROPHY, HYPOMYELINATING, 1. Identifiers: Orphanet 702, MedGen C0205711, MONDO:0010714, OMIM 312080, HP:0003269.

Submissions (2):

Molecular Diagnostics Lab, Nemours Children's Health, Delaware
Classification: Likely pathogenic for Pelizaeus-Merzbacher disease. Last evaluated: 2024-07-12. Review status: criteria provided, single submitter. Criteria: ACMG Guidelines, 2015. Collection method: clinical testing. Allele origin: unknown. Inheritance: X-linked inheritance. Affected: no. Observed: 1 heterozygote.
Comment: This synonymous change (c.762G>A, p.Leu254=) has not been observed in population databases (gnomAD) and has not been reported in the literature. Although it does not predict an amino acid change, the variant occurs at the last nucleotide of exon 6 and may alter splicing. A G>T change at the same nucleotide position (also resulting in p.Leu254=) has been reported in the literature, and functional studies show skipping of exon 6 (PMID 15712223, PMID 15837131). It was found to be heterozygous in the unaffected sister of an affected individual reported to be hemizygous for the change.

Dr. Peter K. Rogan Lab, Western University
No classification provided (evidence only). Condition: Thyroid cancer, nonmedullary, 1. Review status: no classification provided. Collection method: in vitro. Allele origin: not applicable. Functional consequence: retained intron. Not counted in ClinVar's aggregate classification.